The following is an entry in ClinVar:

NM_003664.5(AP3B1):c.3207G>A (p.Gln1069=)

Gene: AP3B1 (adaptor related protein complex 3 subunit beta 1; minus strand). Cytogenetic location: 5q14.1.
Variant type: single nucleotide variant.
Coding change: c.3207G>A on transcript NM_003664.5 (MANE Select); coding-DNA position 3207, G replaced by A.
Protein change: p.Gln1069=; no amino-acid change (glutamine 1069 retained).
Molecular consequence: synonymous variant.
Genome position (GRCh38, 1-based): chr5:78,002,980, C>T on the plus strand (G>A on the coding strand, the complement: AP3B1 is on the minus strand). VCF-style: chr5-78002980-C-T. GRCh37 (hg19) VCF-style: chr5-77298804-C-T.
Other names: p.Gln1069=; c.3060G>A, p.Gln1020= (NM_001271769.2).
Identifiers: ClinVar variation 354220 (VCV000354220.25), dbSNP rs34089426, ClinGen allele CA3316527.
Genomic context (GRCh38, chr5:78,002,980, plus strand): 5'-AGGCTTCAGTTCCCGCAGCAGAACAGAGCCAATCACAGTTTTCTCAGTGTTTATGATAAG[C>T]TGGGCTGTAGAGCCTTCCTTCAGTTCCACTGTGACTAGCATCAATGACCCACTGTGCACA-3'
Protein context (NP_003655.3, residues 1059-1079): TVELKEGSTA[Gln1069=]LIINTEKTVI

ClinVar aggregate classification (germline): Conflicting classifications of pathogenicity. Review status: criteria provided, conflicting classifications (1 of 4 stars). 8 submissions from 8 submitters: Uncertain significance (1); Benign (2); Likely benign (3). 2 of the submissions do not count toward it. Last evaluated 2026-03-09.

Conditions:
Hermansky-Pudlak syndrome 2 (HPS2). Also called: Platelet defects and oculocutaneous albinism. Identifiers: Orphanet 183678, Orphanet 79430, MedGen C1842362, MONDO:0011997, OMIM 608233.

Allele frequency attached by ClinVar (database versions not stated): 1000 Genomes Project 30x 0.00016; 1000 Genomes Project 0.00020; gnomAD 0.00039 and 0.00041; TOPMed 0.00049; gnomAD exomes 0.00058 and 0.00069; ExAC 0.00064; ESP Exome Variant Server 0.00108.
gnomAD v4.1: 1,062 of 1,614,172 alleles (0.066%); highest among the groups gnomAD compares: Middle Eastern, 0.13%; 2 homozygotes.

Submissions (8):

Women's Health and Genetics/Laboratory Corporation of America, LabCorp
Classification: Benign. Last evaluated: 2026-03-09. Review status: criteria provided, single submitter. Criteria: LabCorp Variant Classification Summary - May 2015. Collection method: clinical testing. Allele origin: germline.

CeGaT Center for Human Genetics Tuebingen
Classification: Likely benign. Last evaluated: 2026-02-01. Review status: criteria provided, single submitter. Criteria: CeGaT Center For Human Genetics Tuebingen Variant Classification Criteria Version 2. Collection method: clinical testing. Allele origin: germline. Affected: yes. Observed: 1 variant allele.
Comment: AP3B1: BP4, BS1

Labcorp Genetics (formerly Invitae), Labcorp
Classification: Benign for Hermansky-Pudlak syndrome 2. Last evaluated: 2026-01-26. Review status: criteria provided, single submitter. Criteria: Invitae Variant Classification Sherloc (09022015). Collection method: clinical testing. Allele origin: germline.

Blueprint Genetics
Classification: Likely benign. Last evaluated: 2024-11-23. Review status: criteria provided, single submitter. Criteria: ACMG Guidelines, 2015. Collection method: clinical testing. Allele origin: germline.

Mayo Clinic Laboratories, Mayo Clinic
Classification: Likely benign. Last evaluated: 2024-11-12. Review status: criteria provided, single submitter. Criteria: ACMG Guidelines, 2015. Collection method: clinical testing. Allele origin: germline. Observed: 5 variant alleles.
Comment: BS1, BP4, BP7

Illumina Laboratory Services, Illumina
Classification: Uncertain significance for Hermansky-Pudlak syndrome 2. Last evaluated: 2018-01-12. Review status: criteria provided, single submitter. Criteria: ICSL Variant Classification Criteria 13 December 2019. Collection method: clinical testing. Allele origin: germline.

Clinical Genetics DNA and cytogenetics Diagnostics Lab, Erasmus MC, Erasmus Medical Center
Classification: Likely benign. Review status: no assertion criteria provided. Collection method: clinical testing. Allele origin: germline. Affected: yes. Study: VKGL Data-share Consensus. Not counted in ClinVar's aggregate classification.

Genome Diagnostics Laboratory, University Medical Center Utrecht
Classification: Likely benign. Review status: no assertion criteria provided. Collection method: clinical testing. Allele origin: germline. Affected: yes. Study: VKGL Data-share Consensus. Not counted in ClinVar's aggregate classification.